The following is an entry in ClinVar:

ClinVar aggregate classification (germline): Uncertain significance (1 of 4 stars; one submission).

Allele frequency attached by ClinVar (database versions not stated): ExAC 0.00001; gnomAD exomes 0.00001.
gnomAD v4.1: 3 of 1,613,726 alleles (0.00019%); highest among the groups gnomAD compares: East Asian, 0.0022%; no homozygotes.

Submission:

Labcorp Genetics (formerly Invitae), Labcorp
Classification: Uncertain significance. Last evaluated: 2022-08-31. Review status: criteria provided, single submitter. Criteria: Invitae Variant Classification Sherloc (09022015). Collection method: clinical testing. Allele origin: germline.
Comment: This sequence change falls in intron 50 of the COL7A1 gene. It does not directly change the encoded amino acid sequence of the COL7A1 protein. It affects a nucleotide within the consensus splice site. This variant is present in population databases (rs771182208, gnomAD 0.0009%). This variant has not been reported in the literature in individuals affected with COL7A1-related conditions. Variants that disrupt the consensus splice site are a relatively common cause of aberrant splicing (PMID: 17576681, 9536098). Algorithms developed to predict the effect of sequence changes on RNA splicing suggest that this variant is not likely to affect RNA splicing. In summary, the available evidence is currently insufficient to determine the role of this variant in disease. Therefore, it has been classified as a Variant of Uncertain Significance.

Literature cited by the submitters: PubMed 17576681; PubMed 9536098.

NM_000094.4(COL7A1):c.4819-3C>T

Gene: COL7A1 (collagen type VII alpha 1 chain; minus strand). Cytogenetic location: 3p21.31.
Variant type: single nucleotide variant.
Coding change: c.4819-3C>T on transcript NM_000094.4 (MANE Select); 3 bases into the intron before coding-DNA position 4819, C replaced by T.
Molecular consequence: intron variant.
Genome position (GRCh38, 1-based): chr3:48,581,343, G>A on the plus strand (C>T on the coding strand, the complement: COL7A1 is on the minus strand). VCF-style: chr3-48581343-G-A. GRCh37 (hg19) VCF-style: chr3-48618776-G-A.
Identifiers: ClinVar variation 2417422 (VCV002417422.3), dbSNP rs771182208, ClinGen allele CA2379812.